The following is an entry in ClinVar:

ClinVar aggregate classification (germline): Likely benign (1 of 4 stars; one submission).

gnomAD v4.1: 135 of 436,814 alleles (0.031%); highest among the groups gnomAD compares: South Asian, 0.21%; 1 homozygote.

Submission:

CeGaT Center for Human Genetics Tuebingen
Classification: Likely benign. Last evaluated: 2026-07-01. Review status: criteria provided, single submitter. Criteria: CeGaT Center For Human Genetics Tuebingen Variant Classification Criteria Version 2. Collection method: clinical testing. Allele origin: germline. Affected: yes. Observed: 4 variant alleles.
Comment: KANK1: BP4, BP7

NM_015158.5(KANK1):c.3333+921G>A

Gene: KANK1 (KN motif and ankyrin repeat domains 1; plus strand). Cytogenetic location: 9p24.3.
Variant type: single nucleotide variant.
Coding change: c.3333+921G>A on transcript NM_015158.5 (MANE Select); 921 bases into the intron after coding-DNA position 3333, G replaced by A.
Molecular consequence: intron variant.
Genome position (GRCh38, 1-based): chr9:735,756, G>A. VCF-style: chr9-735756-G-A. GRCh37 (hg19) VCF-style: chr9-735756-G-A.
Other names: c.3333+921G>A (NM_001256876.3, NM_001354334.2, NM_001256877.3); c.2859+921G>A (NM_001354333.2, NM_001354335.2, NM_001354337.2 and 2 more transcripts); c.3093+921G>A (NM_001354331.2); c.3279+921G>A (NM_001354332.2); c.2565+921G>A (NM_001354336.2); c.2619+921G>A (NM_001354339.2, NM_001354343.2, NM_001354342.2); c.2805+921G>A (NM_001354338.2, NM_001354340.2, NM_001354344.2).
Identifiers: ClinVar variation 3770936 (VCV003770936.13).